The following is an entry in ClinVar:

ClinVar aggregate classification (germline): Likely benign (0 of 4 stars; one submission).

Conditions:
ITGA8-related disorder. Also called: ITGA8-related condition.

Allele frequency attached by ClinVar (database versions not stated): gnomAD exomes 0.00004; ExAC 0.00018; gnomAD 0.00044; 1000 Genomes Project 30x 0.00047; TOPMed 0.00049; ESP Exome Variant Server 0.00054; 1000 Genomes Project 0.00060.
gnomAD v4.1: 131 of 1,562,404 alleles (0.0084%); highest among the groups gnomAD compares: African/African-American, 0.16%; no homozygotes.

Submission:

PreventionGenetics, part of Exact Sciences
Classification: Likely benign for ITGA8-related condition. Last evaluated: 2023-12-13. Review status: no assertion criteria provided. Collection method: clinical testing. Allele origin: germline.
Comment: This variant is classified as likely benign based on ACMG/AMP sequence variant interpretation guidelines (Richards et al. 2015 PMID: 25741868, with internal and published modifications).

NM_003638.3(ITGA8):c.171C>T (p.Phe57=)

Gene: ITGA8 (integrin subunit alpha 8; minus strand). Cytogenetic location: 10p13.
Variant type: single nucleotide variant.
Coding change: c.171C>T on transcript NM_003638.3 (MANE Select); coding-DNA position 171, C replaced by T.
Protein change: p.Phe57=; no amino-acid change (phenylalanine 57 retained).
Molecular consequence: synonymous variant.
Genome position (GRCh38, 1-based): chr10:15,719,601, G>A on the plus strand (C>T on the coding strand, the complement: ITGA8 is on the minus strand). VCF-style: chr10-15719601-G-A. GRCh37 (hg19) VCF-style: chr10-15761600-G-A.
Other names: c.171C>T, p.Phe57= (NM_001291494.2).
Identifiers: ClinVar variation 3034217 (VCV003034217.2), dbSNP rs145157492, ClinGen allele CA5420810.
Genomic context (GRCh38, chr10:15,719,601, plus strand): 5'-CTCCCCGGGTCGGGCGACTTACGTGCGGGCGTCGGGTATGTGGAAGTCCACGGCGTAGCC[G>A]AAGTAGCTGCCCTTGGGGCCGCTGTACACTGTGAGCTTTTCCACGTCCAGGTTGAACGCC-3'
Protein context (NP_003629.2, residues 47-67): TVYSGPKGSY[Phe57=]GYAVDFHIPD